The following is an entry in ClinVar:

ClinVar aggregate classification (germline): Uncertain significance. Review status: criteria provided, single submitter (1 of 4 stars). 3 submissions from 3 submitters: Uncertain significance (1). 2 of the submissions do not count toward it. Last evaluated 2022-09-21.

Conditions:
Androgen resistance syndrome (AIS). Also called: ANDROGEN RECEPTOR DEFICIENCY; Androgen insensitivity syndrome; Androgen insensitivity, complete; Androgen insensitivity; DIHYDROTESTOSTERONE RECEPTOR DEFICIENCY; TESTICULAR FEMINIZATION SYNDROME. Identifiers: Orphanet 754, Orphanet 99429, MedGen C0039585, MONDO:0019154, OMIM 300068. Disease mechanism: loss of function.
Kennedy disease (SMAX1). Also called: SPINAL AND BULBAR MUSCULAR ATROPHY, X-LINKED 1; KENNEDY SPINAL AND BULBAR MUSCULAR ATROPHY; Spinal and Bulbar Muscular Atrophy. Identifiers: Orphanet 481, MedGen C1839259, MONDO:0010735, OMIM 313200.

Submissions (3):

Labcorp Genetics (formerly Invitae), Labcorp
Classification: Uncertain significance for Kennedy disease; Androgen resistance syndrome. Last evaluated: 2022-09-21. Review status: criteria provided, single submitter. Criteria: Invitae Variant Classification Sherloc (09022015). Collection method: clinical testing. Allele origin: germline.
Comment: In summary, the available evidence is currently insufficient to determine the role of this variant in disease. Therefore, it has been classified as a Variant of Uncertain Significance. Advanced modeling of protein sequence and biophysical properties (such as structural, functional, and spatial information, amino acid conservation, physicochemical variation, residue mobility, and thermodynamic stability) has been performed at Invitae for this missense variant, however the output from this modeling did not meet the statistical confidence thresholds required to predict the impact of this variant on AR protein function. ClinVar contains an entry for this variant (Variation ID: 974911). This missense change has been observed in individual(s) with complete androgen insensitivity syndrome (PMID: 33505695). It has also been observed to segregate with disease in related individuals. This variant is not present in population databases (gnomAD no frequency). This sequence change replaces isoleucine, which is neutral and non-polar, with serine, which is neutral and polar, at codon 836 of the AR protein (p.Ile836Ser).

Human Developmental Genetics, Institut Pasteur
Classification: Pathogenic for Androgen resistance syndrome. Last evaluated: 2021-08-17. Review status: no assertion criteria provided. Collection method: research. Allele origin: maternal. Inheritance: X-linked inheritance. Affected: yes. Observed: 1 variant allele, 1 hemizygote. Not counted in ClinVar's aggregate classification.

Institute of Molecular Biology and Genetics, National Academy of Sciences of Ukraine
Classification: Pathogenic for Androgen resistance syndrome. Review status: no assertion criteria provided. Collection method: research. Allele origin: maternal. Inheritance: X-linked recessive inheritance. Affected: yes. Observed: 3 variant alleles, 1 hemizygote. Not counted in ClinVar's aggregate classification.

Literature cited by the submitters: PubMed 33505695 (cited by Labcorp Genetics (formerly Invitae), Labcorp); DOI 10.20944/preprints202004.0476.v1 (cited by Institute of Molecular Biology and Genetics, National Academy of Sciences of Ukraine).

NM_000044.6(AR):c.2507T>G (p.Ile836Ser)

Gene: AR (androgen receptor; plus strand). Cytogenetic location: Xq12.
Variant type: single nucleotide variant.
Coding change: c.2507T>G on transcript NM_000044.6 (MANE Select); coding-DNA position 2507, T replaced by G.
Protein change: p.Ile836Ser; replaces isoleucine 836 with serine.
Molecular consequence: missense variant.
Genome position (GRCh38, 1-based): chrX:67,722,884, T>G. VCF-style: chrX-67722884-T-G. GRCh37 (hg19) VCF-style: chrX-66942726-T-G.
Other names: c.911T>G, p.Ile304Ser (NM_001011645.3); short protein forms I304S, I836S.
Identifiers: ClinVar variation 974911 (VCV000974911.9), dbSNP rs2076141961, ClinGen allele CA413427796.